The following is an entry in ClinVar:

ClinVar aggregate classification (germline): Uncertain significance (1 of 4 stars; one submission).

Conditions:
Neuropathy, hereditary sensory, type 2C. Also called: Hereditary sensory and autonomic neuropathy type IIC; KIF1A-Related HSAN2 (HSAN2C). Identifiers: Orphanet 970, MedGen C3280168, MONDO:0013634, OMIM 614213.
Intellectual disability, autosomal dominant 9 (NESCAVS). Also called: NESCAV SYNDROME; KIF1A-Related Neurodevelopmental Disorder. Identifiers: Orphanet 662367, MedGen C5393830, MONDO:0013656, OMIM 614255.
Hereditary spastic paraplegia 30. Identifiers: Orphanet 101010, MedGen C5235139, MONDO:0012476.

Submission:

Labcorp Genetics (formerly Invitae), Labcorp
Classification: Uncertain significance for Hereditary spastic paraplegia 30; Neuropathy, hereditary sensory, type 2C; Intellectual disability, autosomal dominant 9. Last evaluated: 2022-04-29. Review status: criteria provided, single submitter. Criteria: Invitae Variant Classification Sherloc (09022015). Collection method: clinical testing. Allele origin: germline.
Comment: In summary, the available evidence is currently insufficient to determine the role of this variant in disease. Therefore, it has been classified as a Variant of Uncertain Significance. Algorithms developed to predict the effect of missense changes on protein structure and function are either unavailable or do not agree on the potential impact of this missense change (SIFT: "Tolerated"; PolyPhen-2: "Probably Damaging"; Align-GVGD: "Class C0"). This variant has not been reported in the literature in individuals affected with KIF1A-related conditions. This variant is not present in population databases (gnomAD no frequency). This sequence change replaces tyrosine, which is neutral and polar, with histidine, which is basic and polar, at codon 841 of the KIF1A protein (p.Tyr841His).

NM_001244008.2(KIF1A):c.2548T>C (p.Tyr850His)

Gene: KIF1A (kinesin family member 1A; minus strand). Cytogenetic location: 2q37.3.
Variant type: single nucleotide variant.
Coding change: c.2548T>C on transcript NM_001244008.2 (MANE Select); coding-DNA position 2548, T replaced by C.
Protein change: p.Tyr850His; replaces tyrosine 850 with histidine.
Molecular consequence: missense variant.
Genome position (GRCh38, 1-based): chr2:240,758,394, A>G on the plus strand (T>C on the coding strand, the complement: KIF1A is on the minus strand). VCF-style: chr2-240758394-A-G. GRCh37 (hg19) VCF-style: chr2-241697811-A-G.
Other names: c.2548T>C, p.Tyr850His (NM_001320705.2, NM_001330289.2, NM_001379638.1); c.2623T>C, p.Tyr875His (NM_001330290.2, NM_001379631.1, NM_001379634.1 and 2 more transcripts); c.2521T>C, p.Tyr841His (NM_001379632.1, NM_001379633.1, NM_001379636.1 and 11 more transcripts); c.2596T>C, p.Tyr866His (NM_001379637.1, NM_001379648.1); short protein forms Y841H, Y850H, Y866H, Y875H.
Identifiers: ClinVar variation 2131708 (VCV002131708.4), dbSNP rs922220319, ClinGen allele CA68170578.